The following is an entry in ClinVar:

ClinVar aggregate classification (germline): Pathogenic (1 of 4 stars; one submission).

Conditions:
Inborn genetic diseases. Identifiers: MedGen C0950123, MeSH D030342.

Submission:

Ambry Genetics
Classification: Pathogenic for Inborn genetic diseases. Last evaluated: 2025-03-31. Review status: criteria provided, single submitter. Criteria: Ambry Variant Classification Scheme 2023. Collection method: clinical testing. Allele origin: germline.
Comment: The c.1367dupC (p.T457Dfs*84) alteration, located in exon 8 (coding exon 8) of the HCFC1 gene, consists of a duplication of C at position 1367, causing a translational frameshift with a predicted alternate stop codon after 84 amino acids. This alteration is expected to result in loss of function by premature protein truncation or nonsense-mediated mRNA decay. This variant was not reported in population-based cohorts in the Genome Aggregation Database (gnomAD). Based on the available evidence, this alteration is classified as pathogenic.

NM_005334.3(HCFC1):c.1367dup (p.Thr457fs)

Gene: HCFC1 (host cell factor C1; minus strand). Cytogenetic location: Xq28.
Variant type: Duplication.
Coding change: c.1367dup on transcript NM_005334.3 (MANE Select); coding-DNA position 1367, one base duplicated (C; older notation c.1367dupC).
Protein change: p.Thr457fs; shifts the reading frame from threonine 457.
Molecular consequence: frameshift variant.
Genome position (GRCh38, 1-based): chrX:153,959,879, G duplicated on the plus strand (C on the coding strand, the reverse complement: HCFC1 is on the minus strand); the first of 5 consecutive G bases (chrX:153,959,879-153,959,883); duplicating any one gives the same sequence. VCF-style (leftmost placement, unchanged base first): chrX-153959878-C-CG. GRCh37 (hg19) VCF-style: chrX-153225329-C-CG.
Other names: c.1367dup, p.Thr457fs (NM_001410705.1); short protein forms T457fs.
Identifiers: ClinVar variation 4033929 (VCV004033929.1).